The following is an entry in ClinVar:

NM_017612.5(ZCCHC8):c.1718C>G (p.Ser573Cys)

Gene: ZCCHC8 (zinc finger CCHC-type containing 8; minus strand). Cytogenetic location: 12q24.31.
Variant type: single nucleotide variant.
Coding change: c.1718C>G on transcript NM_017612.5 (MANE Select); coding-DNA position 1718, C replaced by G.
Protein change: p.Ser573Cys; replaces serine 573 with cysteine.
Molecular consequence: missense variant.
Genome position (GRCh38, 1-based): chr12:122,473,903, G>C on the plus strand (C>G on the coding strand, the complement: ZCCHC8 is on the minus strand). VCF-style: chr12-122473903-G-C. GRCh37 (hg19) VCF-style: chr12-122958450-G-C.
Other names: c.1487C>G, p.Ser496Cys (NM_001350935.2); c.1421C>G, p.Ser474Cys (NM_001350936.2); c.1004C>G, p.Ser335Cys (NM_001350937.2, NM_001350938.2); short protein forms S474C, S335C, S496C, S573C.
Identifiers: ClinVar variation 2079040 (VCV002079040.4), dbSNP rs771988539, ClinGen allele CA387047847.

ClinVar aggregate classification (germline): Uncertain significance (1 of 4 stars; one submission).

Submission:

Labcorp Genetics (formerly Invitae), Labcorp
Classification: Uncertain significance. Last evaluated: 2022-03-14. Review status: criteria provided, single submitter. Criteria: Invitae Variant Classification Sherloc (09022015). Collection method: clinical testing. Allele origin: germline.
Comment: In summary, the available evidence is currently insufficient to determine the role of this variant in disease. Therefore, it has been classified as a Variant of Uncertain Significance. Algorithms developed to predict the effect of missense changes on protein structure and function are either unavailable or do not agree on the potential impact of this missense change (SIFT: "Deleterious"; PolyPhen-2: "Not Available"; Align-GVGD: "Class C0"). This variant has not been reported in the literature in individuals affected with ZCCHC8-related conditions. This variant is not present in population databases (gnomAD no frequency). This sequence change replaces serine, which is neutral and polar, with cysteine, which is neutral and slightly polar, at codon 573 of the ZCCHC8 protein (p.Ser573Cys).